The following is an entry in ClinVar:

ClinVar aggregate classification (germline): Uncertain significance (1 of 4 stars; one submission).

Conditions:
Brugada syndrome. Also called: Sudden unexplained nocturnal death syndrome; Sudden unexpected nocturnal death syndrome; Sudden Unexplained Death Syndrome; Sudden Unexplained Nocturnal Death Syndrome (SUNDS). Identifiers: Orphanet 130, MedGen C1142166, MONDO:0015263.

gnomAD v4.1: 1 of 1,614,186 alleles (0.000062%); highest among the groups gnomAD compares: Non-Finnish European, 0.000085%; no homozygotes.

Submission:

Labcorp Genetics (formerly Invitae), Labcorp
Classification: Uncertain significance for Brugada syndrome. Last evaluated: 2025-12-22. Review status: criteria provided, single submitter. Criteria: Invitae Variant Classification Sherloc (09022015). Collection method: clinical testing. Allele origin: germline.
Comment: This sequence change replaces methionine, which is neutral and non-polar, with threonine, which is neutral and polar, at codon 406 of the KCNJ8 protein (p.Met406Thr). This variant is not present in population databases (gnomAD no frequency). This variant has not been reported in the literature in individuals affected with KCNJ8-related conditions. Invitae Evidence Modeling of protein sequence and biophysical properties (such as structural, functional, and spatial information, amino acid conservation, physicochemical variation, residue mobility, and thermodynamic stability) indicates that this missense variant is not expected to disrupt KCNJ8 protein function with a negative predictive value of 95%. In summary, the available evidence is currently insufficient to determine the role of this variant in disease. Therefore, it has been classified as a Variant of Uncertain Significance.

NM_004982.4(KCNJ8):c.1217T>C (p.Met406Thr)

Genes: KCNJ8 (potassium inwardly rectifying channel subfamily J member 8; minus strand), KCNJ8-AS1 (KCNJ8 antisense RNA 1; plus strand). Cytogenetic location: 12p12.1.
Variant type: single nucleotide variant.
Coding change: c.1217T>C on transcript NM_004982.4 (MANE Select); coding-DNA position 1217, T replaced by C.
Protein change: p.Met406Thr; replaces methionine 406 with threonine.
Molecular consequence: missense variant.
Genome position (GRCh38, 1-based): chr12:21,765,781, A>G on the plus strand (T>C on the coding strand, the complement: KCNJ8 is on the minus strand). VCF-style: chr12-21765781-A-G. GRCh37 (hg19) VCF-style: chr12-21918715-A-G.
Other names: short protein forms M406T.
Identifiers: ClinVar variation 4764222 (VCV004764222.1).
Genomic context (GRCh38, chr12:21,765,781, plus strand): 5'-TGTCATGATTCCGATGTGTTTTGATTTCCTTCTGGAGTCATAAATTGCACCTTTGGTACC[A>G]TGAGGGAAGAATTGTTCCTTCGGATAGAATTGTTCCTCCTCATGGAATTGTTTCTTCTCA-3'
Protein context (NP_004973.1, residues 396-416): NSIRRNNSSL[Met406Thr]VPKVQFMTPE